The following is an entry in ClinVar:

NM_001379286.1(ZNF423):c.3484del (p.Arg1162fs)

Gene: ZNF423 (zinc finger protein 423; minus strand). Cytogenetic location: 16q12.1.
Variant type: Deletion.
Coding change: c.3484del on transcript NM_001379286.1 (MANE Select); coding-DNA position 3484, one base deleted (C; older notation c.3484delC).
Protein change: p.Arg1162fs; shifts the reading frame from arginine 1162.
Molecular consequence: frameshift variant.
Genome position (GRCh38, 1-based): chr16:49,635,692, G deleted on the plus strand (C on the coding strand, the reverse complement: ZNF423 is on the minus strand); the first of 4 consecutive G bases (chr16:49,635,692-49,635,695); deleting any one gives the same sequence. VCF-style (leftmost placement, unchanged base first): chr16-49635691-CG-C. GRCh37 (hg19) VCF-style: chr16-49669602-CG-C.
Other names: c.3280del, p.Arg1094fs (NM_001271620.2); c.3109del, p.Arg1037fs (NM_001330533.2); c.3460del, p.Arg1154fs (NM_015069.5); short protein forms R1037fs, R1094fs, R1154fs, R1162fs.
Identifiers: ClinVar variation 4850045 (VCV004850045.1).

ClinVar aggregate classification (germline): Likely pathogenic (1 of 4 stars; one submission).

Conditions:
Autosomal recessive ZNF423-related disorders.

Submission:

Variantyx, Inc.
Classification: Likely pathogenic for Autosomal recessive ZNF423-related disorders. Last evaluated: 2026-01-21. Review status: criteria provided, single submitter. Criteria: Variantyx Assertion Criteria 2022. Collection method: clinical testing. Allele origin: germline. Inheritance: Autosomal recessive inheritance. Affected: no.
Comment: This is a frameshift variant in the ZNF423 gene (OMIM: 604557). Pathogenic variants in this gene have been associated with autosomal recessive ZNF423-related disorders. This variant introduces a premature termination codon in exon 5 out of 8 and is expected to result in loss of function, which is a known disease mechanism for ZNF423 in these disorders (PMID: 22863007) (PVS1). This variant is absent from control populations (PM2), and it has not been reported in individuals with ZNF423-related disorders in the databases available for review. Based on the current evidence, this variant is classified as likely pathogenic for autosomal recessive ZNF423-related disorders.

Literature cited by the submitters: PubMed 22863007.